The following is an entry in ClinVar:

ClinVar aggregate classification (germline): Uncertain significance. Review status: criteria provided, single submitter (1 of 4 stars). 2 submissions from 2 submitters: Uncertain significance (1). 1 of the submissions does not count toward it. Last evaluated 2025-11-17.

Conditions:
KIDINS220-related disorder. Also called: KIDINS220-related condition.

Allele frequency attached by ClinVar (database versions not stated): ExAC 0.00001; gnomAD exomes 0.00001; gnomAD 0.00002; TOPMed 0.00003.
gnomAD v4.1: 7 of 1,614,006 alleles (0.00043%); highest among the groups gnomAD compares: Admixed American, 0.0017%; no homozygotes.

Submissions (2):

Labcorp Genetics (formerly Invitae), Labcorp
Classification: Uncertain significance. Last evaluated: 2025-11-17. Review status: criteria provided, single submitter. Criteria: Invitae Variant Classification Sherloc (09022015). Collection method: clinical testing. Allele origin: germline.
Comment: This sequence change replaces alanine, which is neutral and non-polar, with threonine, which is neutral and polar, at codon 703 of the KIDINS220 protein (p.Ala703Thr). This variant is present in population databases (rs747685100, gnomAD 0.003%). This variant has not been reported in the literature in individuals affected with KIDINS220-related conditions. ClinVar contains an entry for this variant (Variation ID: 1391156). An algorithm developed to predict the effect of missense changes on protein structure and function (PolyPhen-2) suggests that this variant is likely to be disruptive. In summary, the available evidence is currently insufficient to determine the role of this variant in disease. Therefore, it has been classified as a Variant of Uncertain Significance.

PreventionGenetics, part of Exact Sciences
Classification: Uncertain significance for KIDINS220-related condition. Last evaluated: 2024-09-23. Review status: no assertion criteria provided. Collection method: clinical testing. Allele origin: germline. Not counted in ClinVar's aggregate classification.
Comment: The KIDINS220 c.2107G>A variant is predicted to result in the amino acid substitution p.Ala703Thr. To our knowledge, this variant has not been reported in the literature. This variant is reported in 0.0029% of alleles in individuals of Latino descent in gnomAD. At this time, the clinical significance of this variant is uncertain due to the absence of conclusive functional and genetic evidence.

NM_020738.4(KIDINS220):c.2107G>A (p.Ala703Thr)

Gene: KIDINS220 (kinase D interacting substrate 220; minus strand). Cytogenetic location: 2p25.1.
Variant type: single nucleotide variant.
Coding change: c.2107G>A on transcript NM_020738.4 (MANE Select); coding-DNA position 2107, G replaced by A.
Protein change: p.Ala703Thr; replaces alanine 703 with threonine.
Molecular consequence: missense variant. On other transcripts: non-coding transcript variant (2).
Genome position (GRCh38, 1-based): chr2:8,785,863, C>T on the plus strand (G>A on the coding strand, the complement: KIDINS220 is on the minus strand). VCF-style: chr2-8785863-C-T. GRCh37 (hg19) VCF-style: chr2-8925993-C-T.
Other names: c.2110G>A, p.Ala704Thr (NM_001348729.2, NM_001348731.2, NM_001348734.2 and 3 more transcripts); c.2107G>A, p.Ala703Thr (NM_001348732.2, NM_001348735.2, NM_001348738.2 and 3 more transcripts); c.1981G>A, p.Ala661Thr (NM_001348736.2); c.2107G>A (NM_020738.2); short protein forms A703T, A704T, A661T.
Identifiers: ClinVar variation 1391156 (VCV001391156.10), dbSNP rs747685100, ClinGen allele CA1520044.